The following is an entry in ClinVar:

NM_032444.4(SLX4):c.1629_1630delinsAC (p.Asp544His)

Gene: SLX4 (SLX4 structure-specific endonuclease subunit; minus strand). Cytogenetic location: 16p13.3.
Variant type: Indel.
Coding change: c.1629_1630delinsAC on transcript NM_032444.4 (MANE Select); coding-DNA positions 1629 to 1630, GG replaced by AC.
Protein change: p.Asp544His; replaces aspartic acid 544 with histidine.
Molecular consequence: missense variant.
Genome position (GRCh38, 1-based): chr16:3,597,432-3,597,433, CC replaced by GT on the plus strand (GG replaced by AC on the coding strand, the reverse complement: SLX4 is on the minus strand). VCF-style: chr16-3597432-CC-GT. GRCh37 (hg19) VCF-style: chr16-3647433-CC-GT.
Other names: short protein forms D544H.
Identifiers: ClinVar variation 1001411 (VCV001001411.10), dbSNP rs2040674138, ClinGen allele CA2202850152.

ClinVar aggregate classification (germline): Uncertain significance (1 of 4 stars; one submission).

Conditions:
Fanconi anemia (FA). Also called: Fanconi's anemia. Identifiers: Orphanet 84, MedGen C0015625, MeSH D005199, MONDO:0019391.

Submission:

Labcorp Genetics (formerly Invitae), Labcorp
Classification: Uncertain significance for Fanconi anemia. Last evaluated: 2022-04-04. Review status: criteria provided, single submitter. Criteria: Invitae Variant Classification Sherloc (09022015). Collection method: clinical testing. Allele origin: germline.
Comment: Experimental studies and prediction algorithms are not available or were not evaluated, and the functional significance of this variant is currently unknown. In summary, the available evidence is currently insufficient to determine the role of this variant in disease. Therefore, it has been classified as a Variant of Uncertain Significance. ClinVar contains an entry for this variant (Variation ID: 1001411). This sequence change replaces aspartic acid, which is acidic and polar, with histidine, which is basic and polar, at codon 544 of the SLX4 protein (p.Asp544His). Information on the frequency of this variant in the gnomAD database is not available, as this variant may be reported differently in the database. This variant has not been reported in the literature in individuals affected with SLX4-related conditions.